The following is an entry in ClinVar:

ClinVar aggregate classification (germline): Uncertain significance. Review status: criteria provided, multiple submitters, no conflicts (2 of 4 stars). 2 submissions from 2 submitters: Uncertain significance (2). Last evaluated 2026-09-22.

Conditions:
MC3R-related disorder. Also called: MC3R-related condition.

Submissions (2):

PreventionGenetics, part of Exact Sciences
Classification: Uncertain significance for MC3R-related condition. Last evaluated: 2026-09-22. Review status: criteria provided, single submitter. Criteria: ACMG Guidelines, 2015. Collection method: clinical testing. Allele origin: germline.
Comment: The MC3R c.520G>T variant is predicted to result in the amino acid substitution p.Val174Phe. To our knowledge, this variant has not been reported in the literature. A different missense variant at the same residue has been associated with obesity; however, functional studies showed only a modest decrease in activity compared to the wild-type receptor (p.Val174Ile reported by different nomenclature as p.Val211Ile; Zegers et al. 2011. PubMed ID: 20539302). This variant is reported in 0.026% of alleles in individuals of Latino descent in gnomAD. At this time, the clinical significance of this variant is uncertain due to the absence of conclusive functional and genetic evidence.

Labcorp Genetics (formerly Invitae), Labcorp
Classification: Uncertain significance. Last evaluated: 2025-12-28. Review status: criteria provided, single submitter. Criteria: Invitae Variant Classification Sherloc (09022015). Collection method: clinical testing. Allele origin: germline.
Comment: This sequence change replaces valine, which is neutral and non-polar, with phenylalanine, which is neutral and non-polar, at codon 174 of the MC3R protein (p.Val174Phe). This variant is present in population databases (rs777906478, gnomAD 0.02%). This variant has not been reported in the literature in individuals affected with MC3R-related conditions. An algorithm developed to predict the effect of missense changes on protein structure and function (PolyPhen-2) suggests that this variant is likely to be tolerated. In summary, the available evidence is currently insufficient to determine the role of this variant in disease. Therefore, it has been classified as a Variant of Uncertain Significance.

NM_019888.3(MC3R):c.520G>T (p.Val174Phe)

Gene: MC3R (melanocortin 3 receptor; plus strand). Cytogenetic location: 20q13.2.
Variant type: single nucleotide variant.
Coding change: c.520G>T on transcript NM_019888.3 (MANE Select); coding-DNA position 520, G replaced by T.
Protein change: p.Val174Phe; replaces valine 174 with phenylalanine.
Molecular consequence: missense variant.
Genome position (GRCh38, 1-based): chr20:56,249,363, G>T. VCF-style: chr20-56249363-G-T. GRCh37 (hg19) VCF-style: chr20-54824419-G-T.
Other names: short protein forms V174F.
Identifiers: ClinVar variation 4718491 (VCV004718491.2).